The following is an entry in ClinVar:

ClinVar aggregate classification (germline): Uncertain significance (1 of 4 stars; one submission).

Conditions:
Hereditary cancer-predisposing syndrome. Also called: Neoplastic Syndromes, Hereditary; Tumor predisposition; Hereditary neoplastic syndrome; Hereditary Cancer Syndrome. Identifiers: Orphanet 140162, MedGen C0027672, MeSH D009386, MONDO:0015356.

Submission:

Ambry Genetics
Classification: Uncertain significance for Hereditary cancer-predisposing syndrome. Last evaluated: 2026-07-02. Review status: criteria provided, single submitter. Criteria: Ambry Variant Classification Scheme 2023. Collection method: clinical testing. Allele origin: germline.
Comment: The p.C142W variant (also known as c.426C>G), located in coding exon 3 of the MSH3 gene, results from a C to G substitution at nucleotide position 426. The cysteine at codon 142 is replaced by tryptophan, an amino acid with highly dissimilar properties. This amino acid position is conserved. In addition, this alteration is predicted to be tolerated by in silico analysis. Based on the available evidence, the clinical significance of this variant remains unclear.

NM_002439.5(MSH3):c.426C>G (p.Cys142Trp)

Gene: MSH3 (mutS homolog 3; plus strand). Cytogenetic location: 5q14.1.
Variant type: single nucleotide variant.
Coding change: c.426C>G on transcript NM_002439.5 (MANE Select); coding-DNA position 426, C replaced by G.
Protein change: p.Cys142Trp; replaces cysteine 142 with tryptophan.
Molecular consequence: missense variant.
Genome position (GRCh38, 1-based): chr5:80,665,210, C>G. VCF-style: chr5-80665210-C-G. GRCh37 (hg19) VCF-style: chr5-79961029-C-G.
Other names: short protein forms C142W.
Identifiers: ClinVar variation 5024764 (VCV005024764.1).